The following is an entry in ClinVar:

ClinVar aggregate classification (germline): Uncertain significance. Review status: criteria provided, multiple submitters, no conflicts (2 of 4 stars). 2 submissions from 2 submitters: Uncertain significance (2). Last evaluated 2024-10-07.

Conditions:
TBX3-related disorder. Also called: TBX3-related condition.
Inborn genetic diseases. Identifiers: MedGen C0950123, MeSH D030342.

gnomAD v4.1: 10 of 1,595,536 alleles (0.00063%); highest among the groups gnomAD compares: African/African-American, 0.0067%; no homozygotes.

Submissions (2):

PreventionGenetics, part of Exact Sciences
Classification: Uncertain significance for TBX3-related condition. Last evaluated: 2024-10-07. Review status: criteria provided, single submitter. Criteria: ACMG Guidelines, 2015. Collection method: clinical testing. Allele origin: germline.
Comment: The TBX3 c.1339C>T variant is predicted to result in the amino acid substitution p.Arg447Cys. To our knowledge, this variant has not been reported in the literature. This variant is reported in 0.0035% of alleles in individuals of South Asian descent in gnomAD. At this time, the clinical significance of this variant is uncertain due to the absence of conclusive functional and genetic evidence.

Ambry Genetics
Classification: Uncertain significance for Inborn genetic diseases. Last evaluated: 2024-07-14. Review status: criteria provided, single submitter. Criteria: Ambry Variant Classification Scheme 2023. Collection method: clinical testing. Allele origin: germline.

NM_005996.4(TBX3):c.1279C>T (p.Arg427Cys)

Gene: TBX3 (T-box transcription factor 3; minus strand). Cytogenetic location: 12q24.21.
Variant type: single nucleotide variant.
Coding change: c.1279C>T on transcript NM_005996.4 (MANE Select); coding-DNA position 1279, C replaced by T.
Protein change: p.Arg427Cys; replaces arginine 427 with cysteine.
Molecular consequence: missense variant.
Genome position (GRCh38, 1-based): chr12:114,674,596, G>A on the plus strand (C>T on the coding strand, the complement: TBX3 is on the minus strand). VCF-style: chr12-114674596-G-A. GRCh37 (hg19) VCF-style: chr12-115112401-G-A.
Other names: c.1339C>T (NM_016569.3); c.1339C>T, p.Arg447Cys (NM_016569.4); short protein forms R427C, R447C.
Identifiers: ClinVar variation 3453897 (VCV003453897.2).